The following is an entry in ClinVar:

ClinVar aggregate classification (germline): Uncertain significance. Review status: criteria provided, multiple submitters, no conflicts (2 of 4 stars). 2 submissions from 2 submitters: Uncertain significance (2). Last evaluated 2025-08-27.

Allele frequency attached by ClinVar (database versions not stated): gnomAD 0.00002; ESP Exome Variant Server 0.00008; TOPMed 0.00008.
gnomAD v4.1: 21 of 1,613,622 alleles (0.0013%); highest among the groups gnomAD compares: African/African-American, 0.0053%; no homozygotes.

Submissions (2):

Ambry Genetics
Classification: Uncertain significance. Last evaluated: 2025-08-27. Review status: criteria provided, single submitter. Criteria: Ambry Variant Classification Scheme 2023. Collection method: clinical testing. Allele origin: germline.

Labcorp Genetics (formerly Invitae), Labcorp
Classification: Uncertain significance. Last evaluated: 2024-03-13. Review status: criteria provided, single submitter. Criteria: Invitae Variant Classification Sherloc (09022015). Collection method: clinical testing. Allele origin: germline.
Comment: This sequence change replaces arginine, which is basic and polar, with tryptophan, which is neutral and slightly polar, at codon 512 of the LZTS1 protein (p.Arg512Trp). This variant is present in population databases (rs200655550, gnomAD 0.007%). This variant has not been reported in the literature in individuals affected with LZTS1-related conditions. Advanced modeling of protein sequence and biophysical properties (such as structural, functional, and spatial information, amino acid conservation, physicochemical variation, residue mobility, and thermodynamic stability) performed at Invitae indicates that this missense variant is not expected to disrupt LZTS1 protein function with a negative predictive value of 80%. In summary, the available evidence is currently insufficient to determine the role of this variant in disease. Therefore, it has been classified as a Variant of Uncertain Significance.

NM_021020.5(LZTS1):c.1534C>T (p.Arg512Trp)

Gene: LZTS1 (leucine zipper tumor suppressor 1; minus strand). Cytogenetic location: 8p21.3.
Variant type: single nucleotide variant.
Coding change: c.1534C>T on transcript NM_021020.5 (MANE Select); coding-DNA position 1534, C replaced by T.
Protein change: p.Arg512Trp; replaces arginine 512 with tryptophan.
Molecular consequence: missense variant.
Genome position (GRCh38, 1-based): chr8:20,249,979, G>A on the plus strand (C>T on the coding strand, the complement: LZTS1 is on the minus strand). VCF-style: chr8-20249979-G-A. GRCh37 (hg19) VCF-style: chr8-20107490-G-A.
Other names: c.1534C>T, p.Arg512Trp (NM_001362884.2); c.1534C>T (NM_021020.2); short protein forms R512W.
Identifiers: ClinVar variation 2896251 (VCV002896251.4), dbSNP rs200655550, ClinGen allele CA4657244.